The following is an entry in ClinVar:

NM_006445.4(PRPF8):c.802G>A (p.Ala268Thr)

Gene: PRPF8 (pre-mRNA processing factor 8; minus strand). Cytogenetic location: 17p13.3.
Variant type: single nucleotide variant.
Coding change: c.802G>A on transcript NM_006445.4 (MANE Select); coding-DNA position 802, G replaced by A.
Protein change: p.Ala268Thr; replaces alanine 268 with threonine.
Molecular consequence: missense variant.
Genome position (GRCh38, 1-based): chr17:1,681,542, C>T on the plus strand (G>A on the coding strand, the complement: PRPF8 is on the minus strand). VCF-style: chr17-1681542-C-T. GRCh37 (hg19) VCF-style: chr17-1584836-C-T.
Other names: short protein forms A268T.
Identifiers: ClinVar variation 1468206 (VCV001468206.6), dbSNP rs1280004435, ClinGen allele CA397566523.
Genomic context (GRCh38, chr17:1,681,542, plus strand): 5'-GGTTGATGTCTCGAACAAGAGGTTCAAATTTGGGGCCTCCAGGAATGGCCATATTGAGTG[C>T]CTTGGACGTAAAGAAGGCCTTCAAATCAAACAGGTAGAAGTAGTTGTCATCCACCAAGTC-3'
Protein context (NP_006436.3, residues 258-278): FDLKAFFTSK[Ala268Thr]LNMAIPGGPK

ClinVar aggregate classification (germline): Uncertain significance (1 of 4 stars; one submission).

Allele frequency attached by ClinVar (database versions not stated): gnomAD exomes below 0.00001.

Submission:

Labcorp Genetics (formerly Invitae), Labcorp
Classification: Uncertain significance. Last evaluated: 2021-09-15. Review status: criteria provided, single submitter. Criteria: Invitae Variant Classification Sherloc (09022015). Collection method: clinical testing. Allele origin: germline.
Comment: In summary, the available evidence is currently insufficient to determine the role of this variant in disease. Therefore, it has been classified as a Variant of Uncertain Significance. Algorithms developed to predict the effect of missense changes on protein structure and function are either unavailable or do not agree on the potential impact of this missense change (SIFT: "Deleterious"; PolyPhen-2: "Possibly Damaging"; Align-GVGD: "Class C0"). This variant has not been reported in the literature in individuals affected with PRPF8-related conditions. This variant is not present in population databases (ExAC no frequency). This sequence change replaces alanine with threonine at codon 268 of the PRPF8 protein (p.Ala268Thr). The alanine residue is highly conserved and there is a small physicochemical difference between alanine and threonine.